The following is an entry in ClinVar:

NC_000006.11:g.(?_65767487)_(65767640_?)dup

Gene: EYS (eyes shut homolog; minus strand). Cytogenetic location: 6q12.
Variant type: Duplication.
Identifiers: ClinVar variation 2423849 (VCV002423849.4).

ClinVar aggregate classification (germline): Uncertain significance (1 of 4 stars; one submission).

Submission:

Labcorp Genetics (formerly Invitae), Labcorp
Classification: Uncertain significance. Last evaluated: 2023-11-06. Review status: criteria provided, single submitter. Criteria: Invitae Variant Classification Sherloc (09022015). Collection method: clinical testing. Allele origin: germline.
Comment: This variant results in a copy number gain of the genomic region encompassing exon(s) 13 of the EYS gene. While the exact position of this variant cannot be determined from the data, sub-genic copy number gains are generally in tandem (PMID: 25640679). This variant is predicted to be in-frame, and likely preserves the integrity of the reading frame. A similar copy number variant has been observed in individual(s) with clinical features of retinitis pigmentosa (Invitae). Experimental studies and prediction algorithms are not available or were not evaluated, and the functional significance of this variant is currently unknown. In summary, the available evidence is currently insufficient to determine the role of this variant in disease. Therefore, it has been classified as a Variant of Uncertain Significance.

Literature cited by the submitters: PubMed 25640679.